The following is an entry in ClinVar:

NM_001322934.2(NFKB2):c.1891C>T (p.Arg631Trp)

Gene: NFKB2 (nuclear factor kappa B subunit 2; plus strand). Cytogenetic location: 10q24.32.
Variant type: single nucleotide variant.
Coding change: c.1891C>T on transcript NM_001322934.2 (MANE Select); coding-DNA position 1891, C replaced by T.
Protein change: p.Arg631Trp; replaces arginine 631 with tryptophan.
Molecular consequence: missense variant.
Genome position (GRCh38, 1-based): chr10:102,400,747, C>T. VCF-style: chr10-102400747-C-T. GRCh37 (hg19) VCF-style: chr10-104160504-C-T.
Other names: c.1891C>T, p.Arg631Trp (NM_001077493.1, NM_001077494.3, NM_001261403.3 and 2 more transcripts); c.1765C>T, p.Arg589Trp (NM_001322935.1); short protein forms R589W, R631W.
Identifiers: ClinVar variation 2217923 (VCV002217923.6), dbSNP rs1055944511, ClinGen allele CA212217855.

ClinVar aggregate classification (germline): Uncertain significance. Review status: criteria provided, multiple submitters, no conflicts (2 of 4 stars). 3 submissions from 3 submitters: Uncertain significance (3). Last evaluated 2023-09-04.

Conditions:
Inborn genetic diseases. Identifiers: MedGen C0950123, MeSH D030342.
Immunodeficiency, common variable, 10. Also called: IMMUNODEFICIENCY, COMMON VARIABLE, WITH CENTRAL ADRENAL INSUFFICIENCY; DEFICIT IN ANTERIOR PITUITARY FUNCTION AND VARIABLE IMMUNODEFICIENCY. Identifiers: MedGen C3809991, MONDO:0014260, OMIM 615577.

Allele frequency attached by ClinVar (database versions not stated): gnomAD 0.00001; gnomAD exomes 0.00001; TOPMed 0.00001.
gnomAD v4.1: 14 of 1,613,198 alleles (0.00087%); highest among the groups gnomAD compares: East Asian, 0.0022%; no homozygotes.

Submissions (3):

Blueprint Genetics
Classification: Uncertain significance. Last evaluated: 2023-09-04. Review status: criteria provided, single submitter. Criteria: ACMG Guidelines, 2015. Collection method: clinical testing. Allele origin: germline.

Labcorp Genetics (formerly Invitae), Labcorp
Classification: Uncertain significance for Immunodeficiency, common variable, 10. Last evaluated: 2023-08-06. Review status: criteria provided, single submitter. Criteria: Invitae Variant Classification Sherloc (09022015). Collection method: clinical testing. Allele origin: germline.
Comment: In summary, the available evidence is currently insufficient to determine the role of this variant in disease. Therefore, it has been classified as a Variant of Uncertain Significance. An algorithm developed to predict the effect of missense changes on protein structure and function (PolyPhen-2) suggests that this variant is likely to be disruptive. ClinVar contains an entry for this variant (Variation ID: 2217923). This variant has not been reported in the literature in individuals affected with NFKB2-related conditions. The frequency data for this variant in the population databases is considered unreliable, as metrics indicate poor data quality at this position in the gnomAD database. This sequence change replaces arginine, which is basic and polar, with tryptophan, which is neutral and slightly polar, at codon 631 of the NFKB2 protein (p.Arg631Trp).

Ambry Genetics
Classification: Uncertain significance for Inborn genetic diseases. Last evaluated: 2021-06-21. Review status: criteria provided, single submitter. Criteria: Ambry Variant Classification Scheme 2023. Collection method: clinical testing. Allele origin: germline.